The following is an entry in ClinVar:

NM_000288.4(PEX7):c.206del (p.Gly69fs)

Gene: PEX7 (peroxisomal biogenesis factor 7; plus strand). Cytogenetic location: 6q23.3.
Variant type: Deletion.
Coding change: c.206del on transcript NM_000288.4 (MANE Select); coding-DNA position 206, one base deleted (G; older notation c.206delG).
Protein change: p.Gly69fs; shifts the reading frame from glycine 69.
Molecular consequence: frameshift variant.
Genome position (GRCh38, 1-based): chr6:136,826,336, G deleted; the last of 2 consecutive G bases (chr6:136,826,335-136,826,336); deleting either gives the same sequence. VCF-style (leftmost placement, unchanged base first): chr6-136826334-TG-T. GRCh37 (hg19) VCF-style: chr6-137147472-TG-T.
Other names: c.92delG, p.Gly31Valfs (NM_001410945.1); short protein forms G69fs.
Identifiers: ClinVar variation 1725811 (VCV001725811.2), dbSNP rs2548072023, ClinGen allele CA2580075089.

ClinVar aggregate classification (germline): Likely pathogenic (1 of 4 stars; one submission).

Conditions:
Rhizomelic chondrodysplasia punctata type 1 (RCDP1). Also called: PEROXISOME BIOGENESIS DISORDER 9; CHONDRODYSTROPHIA CALCIFICANS PUNCTATA; PEX7-Related Rhizomelic Chondrodysplasia Punctata. Identifiers: Orphanet 177, Orphanet 309789, MedGen C1859133, MONDO:0008972, OMIM 215100. Disease mechanism: loss of function.

Submission:

Myriad Genetics, Inc.
Classification: Likely pathogenic for Rhizomelic chondrodysplasia punctata type 1. Last evaluated: 2022-04-01. Review status: criteria provided, single submitter. Criteria: Myriad Women's Health Autosomal Recessive and X-Linked Classification Criteria (2021). Collection method: clinical testing. Allele origin: unknown.
Comment: NM_000288.3(PEX7):c.206delG(G69Vfs*5) is expected to be pathogenic in the context of rhizomelic chondrodysplasia punctata type 1. This variant is predicted to lead to an abnormal or absent protein product due to the creation of a premature termination codon in PEX7, a gene where loss-of-function variants are known to be pathogenic. Please note: this variant was assessed in the context of healthy population screening.